The following is an entry in ClinVar:

ClinVar aggregate classification (germline): Uncertain significance (0 of 4 stars; one submission).

Conditions:
Hereditary von Willebrand disease. Identifiers: Orphanet 903, MedGen C5703318, MONDO:0019565. Inheritance: Autosomal recessive or Autosomal dominant.

gnomAD v4.1: 1 of 1,614,240 alleles (0.000062%); highest among the groups gnomAD compares: Non-Finnish European, 0.000085%; no homozygotes.

Submission:

ISTH-SSC Genomics in Thrombosis and Hemostasis, KU Leuven, Center for Molecular and Vascular Biology
Classification: Uncertain significance for von Willebrand disorder. Review status: no assertion criteria provided. Collection method: research. Allele origin: unknown. Affected: yes.
Comment: Submitted to GoldVariant by Dr Karyn Mégy from NIHR Bioresource - Cambridge University, UK

NM_000552.5(VWF):c.7599T>G (p.Cys2533Trp)

Gene: VWF (von Willebrand factor; minus strand). Cytogenetic location: 12p13.31.
Variant type: single nucleotide variant.
Coding change: c.7599T>G on transcript NM_000552.5 (MANE Select); coding-DNA position 7599, T replaced by G.
Protein change: p.Cys2533Trp; replaces cysteine 2533 with tryptophan.
Molecular consequence: missense variant.
Genome position (GRCh38, 1-based): chr12:5,969,341, A>C on the plus strand (T>G on the coding strand, the complement: VWF is on the minus strand). VCF-style: chr12-5969341-A-C. GRCh37 (hg19) VCF-style: chr12-6078507-A-C.
Other names: short protein forms C2533W.
Identifiers: ClinVar variation 1684479 (VCV001684479.1), dbSNP rs61751295, ClinGen allele CA383489473.